The following is an entry in ClinVar:

NM_004168.4(SDHA):c.1461C>A (p.Asn487Lys)

Gene: SDHA (succinate dehydrogenase complex flavoprotein subunit A; plus strand). Cytogenetic location: 5p15.33.
Variant type: single nucleotide variant.
Coding change: c.1461C>A on transcript NM_004168.4 (MANE Select); coding-DNA position 1461, C replaced by A.
Protein change: p.Asn487Lys; replaces asparagine 487 with lysine.
Molecular consequence: missense variant.
Genome position (GRCh38, 1-based): chr5:240,386, C>A. VCF-style: chr5-240386-C-A. GRCh37 (hg19) VCF-style: chr5-240501-C-A.
Other names: c.1317C>A, p.Asn439Lys (NM_001294332.2); c.1461C>A, p.Asn487Lys (NM_001330758.2); short protein forms N487K, N439K.
Identifiers: ClinVar variation 2196781 (VCV002196781.4), dbSNP rs187540602, ClinGen allele CA359014216.

ClinVar aggregate classification (germline): Uncertain significance (1 of 4 stars; one submission).

Conditions:
Mitochondrial complex II deficiency, nuclear type 1. Also called: SUCCINATE CoQ REDUCTASE DEFICIENCY. Identifiers: Orphanet 3208, MedGen C5700310, MONDO:0100294, OMIM 252011.
Pheochromocytoma/paraganglioma syndrome 5. Also called: Paragangliomas 5; SDHA-Related Hereditary Paraganglioma-Pheochromocytoma Syndrome. Identifiers: Orphanet 29072, MedGen C3279992, MONDO:0013602, OMIM 614165.

gnomAD v4.1: 1 of 1,608,216 alleles (0.000062%); highest among the groups gnomAD compares: Non-Finnish European, 0.000085%; no homozygotes.

Submission:

Labcorp Genetics (formerly Invitae), Labcorp
Classification: Uncertain significance for Pheochromocytoma/paraganglioma syndrome 5; Mitochondrial complex II deficiency, nuclear type 1. Last evaluated: 2022-09-02. Review status: criteria provided, single submitter. Criteria: Invitae Variant Classification Sherloc (09022015). Collection method: clinical testing. Allele origin: germline.
Comment: Advanced modeling of protein sequence and biophysical properties (such as structural, functional, and spatial information, amino acid conservation, physicochemical variation, residue mobility, and thermodynamic stability) performed at Invitae indicates that this missense variant is not expected to disrupt SDHA protein function. In summary, the available evidence is currently insufficient to determine the role of this variant in disease. Therefore, it has been classified as a Variant of Uncertain Significance. This variant has not been reported in the literature in individuals affected with SDHA-related conditions. This variant is not present in population databases (gnomAD no frequency). This sequence change replaces asparagine, which is neutral and polar, with lysine, which is basic and polar, at codon 487 of the SDHA protein (p.Asn487Lys).